The following is an entry in ClinVar:

NM_001040142.2(SCN2A):c.2749G>A (p.Asp917Asn)

Gene: SCN2A (sodium voltage-gated channel alpha subunit 2; plus strand). Cytogenetic location: 2q24.3.
Variant type: single nucleotide variant.
Coding change: c.2749G>A on transcript NM_001040142.2 (MANE Select); coding-DNA position 2749, G replaced by A.
Protein change: p.Asp917Asn; replaces aspartic acid 917 with asparagine.
Molecular consequence: missense variant.
Genome position (GRCh38, 1-based): chr2:165,344,741, G>A. VCF-style: chr2-165344741-G-A. GRCh37 (hg19) VCF-style: chr2-166201251-G-A.
Other names: c.2749G>A (NM_021007.2); c.2749G>A, p.Asp917Asn (NM_001040143.2, NM_001371246.1, NM_001371247.1 and 1 more transcripts); short protein forms D917N.
Identifiers: ClinVar variation 2431411 (VCV002431411.4), dbSNP rs2468007964, ClinGen allele CA349015180.

ClinVar aggregate classification (germline): Uncertain significance. Review status: criteria provided, multiple submitters, no conflicts (2 of 4 stars). 3 submissions from 3 submitters: Uncertain significance (3). Last evaluated 2024-03-30.

Conditions:
Seizures, benign familial infantile, 3 (BFIS3). Also called: Familial neonatal seizures; CONVULSIONS, BENIGN FAMILIAL INFANTILE, 3. Identifiers: Orphanet 140927, Orphanet 306, MedGen C1843140, MONDO:0011904, OMIM 607745.
Developmental and epileptic encephalopathy, 11 (DEE11). Also called: Early infantile epileptic encephalopathy 11. Identifiers: Orphanet 1934, MedGen C3150987, MONDO:0013388, OMIM 613721.

Allele frequency attached by ClinVar (database versions not stated): gnomAD exomes below 0.00001.
gnomAD v4.1: 1 of 1,614,140 alleles (0.000062%); highest among the groups gnomAD compares: Non-Finnish European, 0.000085%; no homozygotes.

Submissions (3):

Labcorp Genetics (formerly Invitae), Labcorp
Classification: Uncertain significance for Seizures, benign familial infantile, 3; Developmental and epileptic encephalopathy, 11. Last evaluated: 2024-03-30. Review status: criteria provided, single submitter. Criteria: Invitae Variant Classification Sherloc (09022015). Collection method: clinical testing. Allele origin: germline.
Comment: This sequence change replaces aspartic acid, which is acidic and polar, with asparagine, which is neutral and polar, at codon 917 of the SCN2A protein (p.Asp917Asn). This variant is not present in population databases (gnomAD no frequency). This variant has not been reported in the literature in individuals affected with SCN2A-related conditions. ClinVar contains an entry for this variant (Variation ID: 2431411). Advanced modeling of protein sequence and biophysical properties (such as structural, functional, and spatial information, amino acid conservation, physicochemical variation, residue mobility, and thermodynamic stability) performed at Invitae indicates that this missense variant is not expected to disrupt SCN2A protein function with a negative predictive value of 95%. In summary, the available evidence is currently insufficient to determine the role of this variant in disease. Therefore, it has been classified as a Variant of Uncertain Significance.

GeneDx
Classification: Uncertain significance. Last evaluated: 2022-12-13. Review status: criteria provided, single submitter. Criteria: GeneDx Variant Classification Process June 2021. Collection method: clinical testing. Allele origin: germline. Affected: yes.
Comment: Not observed at significant frequency in large population cohorts (gnomAD); Missense variants in this gene are often considered pathogenic (HGMD); In silico analysis supports that this missense variant has a deleterious effect on protein structure/function; This substitution is predicted to be within the extracellular loop between the S5 and S6 transmembrane segments of the second homologous domain.; Has not been previously published as pathogenic or benign to our knowledge

Laboratorio de Genetica e Diagnostico Molecular, Hospital Israelita Albert Einstein
Classification: Uncertain significance for Developmental and epileptic encephalopathy, 11. Last evaluated: 2022-02-24. Review status: criteria provided, single submitter. Criteria: ACMG Guidelines, 2015. Collection method: clinical testing. Allele origin: germline. Affected: yes. Observed: 1 variant allele.
Comment: ACMG classification criteria: PM2 moderated